The following is an entry in ClinVar:

NM_000203.5(IDUA):c.589+1G>T

Gene: IDUA (alpha-L-iduronidase; plus strand). Cytogenetic location: 4p16.3.
Variant type: single nucleotide variant.
Coding change: c.589+1G>T on transcript NM_000203.5 (MANE Select); the canonical splice donor site of the intron after coding-DNA position 589, G replaced by T.
Molecular consequence: splice donor variant.
Genome position (GRCh38, 1-based): chr4:1,001,564, G>T. VCF-style: chr4-1001564-G-T. GRCh37 (hg19) VCF-style: chr4-995352-G-T.
Other names: c.193+1G>T (NM_001363576.1).
Identifiers: ClinVar variation 1526193 (VCV001526193.1), dbSNP rs1293215555, ClinGen allele CA355961844.
Genomic context (GRCh38, chr4:1,001,564, plus strand): 5'-TCGAGACGTGGAATGAGCCAGACCACCACGACTTTGACAACGTCTCCATGACCATGCAAG[G>T]TGTGCACCGCTTCCTGGGGTCCTGCCCGGCTGAAAGGGGGCAGAGGAAGGCAGGAGCAGA-3'

ClinVar aggregate classification (germline): Likely pathogenic (1 of 4 stars; one submission).

Conditions:
Hurler syndrome. Also called: Gargoylism, Hurler Syndrome; MUCOPOLYSACCHARIDOSIS TYPE IH; Severe MPS I (Hurler Syndrome). Identifiers: Orphanet 93473, MedGen C0086795, MONDO:0011758, OMIM 607014.

Submission:

3billion
Classification: Likely pathogenic for Hurler syndrome. Last evaluated: 2022-03-22. Review status: criteria provided, single submitter. Criteria: ACMG Guidelines, 2015. Collection method: clinical testing. Allele origin: germline. Affected: yes. Observed: 1 heterozygote.
Comment: Canonical splice site: predicted to alter splicing and result in a loss or disruption of normal protein function through nonsense-mediated decay (NMD) or protein truncation. Multiple pathogenic variants are reported downstream of the variant.It is not observed in the gnomAD v2.1.1 dataset. Therefore, this variant is classified as likely pathogenic according to the recommendation of ACMG/AMP guideline.